The following is an entry in ClinVar:

NM_020719.3(PRR12):c.1388G>T (p.Gly463Val)

Gene: PRR12 (proline rich 12; plus strand). Cytogenetic location: 19q13.33.
Variant type: single nucleotide variant.
Coding change: c.1388G>T on transcript NM_020719.3 (MANE Select); coding-DNA position 1388, G replaced by T.
Protein change: p.Gly463Val; replaces glycine 463 with valine.
Molecular consequence: missense variant.
Genome position (GRCh38, 1-based): chr19:49,595,723, G>T. VCF-style: chr19-49595723-G-T. GRCh37 (hg19) VCF-style: chr19-50098980-G-T.
Other names: short protein forms G463V.
Identifiers: ClinVar variation 4281217 (VCV004281217.7).
Genomic context (GRCh38, chr19:49,595,723, plus strand): 5'-ATTCCCCCGGTCAGCCTCAAGGGCTTCTGGGACCCCAGGCCTACGGGCAAGGGTTTGGAG[G>T]GGGGCAGGCACAGGACTTGAGCAAAGCCCCCAGCTACTCAGGGGGCCCCCCACAGCCCCC-3'
Protein context (NP_065770.1, residues 453-473): GPQAYGQGFG[Gly463Val]GQAQDLSKAP

ClinVar aggregate classification (germline): Uncertain significance (1 of 4 stars; one submission).

Submission:

CeGaT Center for Human Genetics Tuebingen
Classification: Uncertain significance. Last evaluated: 2025-09-01. Review status: criteria provided, single submitter. Criteria: CeGaT Center For Human Genetics Tuebingen Variant Classification Criteria Version 2. Collection method: clinical testing. Allele origin: germline. Affected: yes. Observed: 1 variant allele.
Comment: PRR12: PM2